The following is an entry in ClinVar:

NM_000051.4(ATM):c.2019del (p.Lys673fs)

Gene: ATM (ATM serine/threonine kinase; plus strand). Cytogenetic location: 11q22.3.
Variant type: Deletion.
Coding change: c.2019del on transcript NM_000051.4 (MANE Select); coding-DNA position 2019, one base deleted (G; older notation c.2019delG).
Protein change: p.Lys673fs; shifts the reading frame from lysine 673.
Molecular consequence: frameshift variant.
Genome position (GRCh38, 1-based): chr11:108,253,934, G deleted. VCF-style (leftmost placement, unchanged base first): chr11-108253933-AG-A. GRCh37 (hg19) VCF-style: chr11-108124660-AG-A.
Other names: c.2019del, p.Lys673fs (NM_001351834.2); short protein forms K673fs.
Identifiers: ClinVar variation 646504 (VCV000646504.10), dbSNP rs1591534511, ClinGen allele CA915948360.

ClinVar aggregate classification (germline): Pathogenic. Review status: criteria provided, multiple submitters, no conflicts (2 of 4 stars). 2 submissions from 2 submitters: Pathogenic (2). Last evaluated 2023-12-02.

Conditions:
Ataxia-telangiectasia syndrome (AT). Also called: LOUIS-BAR SYNDROME; Ataxia-telangiectasia, complementation group E; Ataxia-telangiectasia, complementation group D; AT, COMPLEMENTATION GROUP C; Ataxia telangiectasia (A-T); Cerebello-oculocutaneous telangiectasia. Identifiers: Orphanet 100, MedGen C0004135, MONDO:0008840, OMIM 208900.
Hereditary cancer-predisposing syndrome. Also called: Neoplastic Syndromes, Hereditary; Hereditary Cancer Syndrome; Hereditary neoplastic syndrome; Tumor predisposition. Identifiers: Orphanet 140162, MedGen C0027672, MeSH D009386, MONDO:0015356.

Submissions (2):

Labcorp Genetics (formerly Invitae), Labcorp
Classification: Pathogenic for Ataxia-telangiectasia syndrome. Last evaluated: 2023-12-02. Review status: criteria provided, single submitter. Criteria: Invitae Variant Classification Sherloc (09022015). Collection method: clinical testing. Allele origin: germline.
Comment: This sequence change creates a premature translational stop signal (p.Lys673Asnfs*30) in the ATM gene. It is expected to result in an absent or disrupted protein product. Loss-of-function variants in ATM are known to be pathogenic (PMID: 23807571, 25614872). This variant is not present in population databases (gnomAD no frequency). This variant has not been reported in the literature in individuals affected with ATM-related conditions. ClinVar contains an entry for this variant (Variation ID: 646504). For these reasons, this variant has been classified as Pathogenic.

Color Diagnostics, LLC DBA Color Health
Classification: Pathogenic for Hereditary cancer-predisposing syndrome. Last evaluated: 2021-10-04. Review status: criteria provided, single submitter. Criteria: ACMG Guidelines, 2015. Collection method: clinical testing. Allele origin: germline.
Comment: This variant deletes 1 nucleotide in exon 13 of the ATM gene, creating a frameshift and premature translation stop signal. This variant is expected to result in an absent or non-functional protein product. To our knowledge, this variant has not been reported in individuals affected with hereditary cancer in the literature. This variant has not been identified in the general population by the Genome Aggregation Database (gnomAD). Loss of ATM function is a known mechanism of disease. Based on the available evidence, this variant is classified as Pathogenic.

Literature cited by the submitters: PubMed 23807571 (cited by Labcorp Genetics (formerly Invitae), Labcorp); PubMed 25614872 (cited by Labcorp Genetics (formerly Invitae), Labcorp).